The following is an entry in ClinVar:

ClinVar aggregate classification (germline): Uncertain significance (1 of 4 stars; one submission).

Conditions:
Congenital contractural arachnodactyly (CCA). Also called: BEALS SYNDROME; Arthrogryposis, distal, type 9; Beals-Hecht syndrome. Identifiers: Orphanet 115, MedGen C0220668, MONDO:0007363, OMIM 121050.

Allele frequency attached by ClinVar (database versions not stated): gnomAD exomes below 0.00001.
gnomAD v4.1: 5 of 1,613,426 alleles (0.00031%); highest among the groups gnomAD compares: Non-Finnish European, 0.00042%; no homozygotes.

Submission:

Labcorp Genetics (formerly Invitae), Labcorp
Classification: Uncertain significance for Congenital contractural arachnodactyly. Last evaluated: 2025-04-27. Review status: criteria provided, single submitter. Criteria: Invitae Variant Classification Sherloc (09022015). Collection method: clinical testing. Allele origin: germline.
Comment: This sequence change replaces leucine, which is neutral and non-polar, with proline, which is neutral and non-polar, at codon 1206 of the FBN2 protein (p.Leu1206Pro). This variant is not present in population databases (gnomAD no frequency). This variant has not been reported in the literature in individuals affected with FBN2-related conditions. ClinVar contains an entry for this variant (Variation ID: 641973). Invitae Evidence Modeling of protein sequence and biophysical properties (such as structural, functional, and spatial information, amino acid conservation, physicochemical variation, residue mobility, and thermodynamic stability) indicates that this missense variant is expected to disrupt FBN2 protein function with a positive predictive value of 80%. In summary, the available evidence is currently insufficient to determine the role of this variant in disease. Therefore, it has been classified as a Variant of Uncertain Significance.

NM_001999.4(FBN2):c.3617T>C (p.Leu1206Pro)

Gene: FBN2 (fibrillin 2; minus strand). Cytogenetic location: 5q23.3.
Variant type: single nucleotide variant.
Coding change: c.3617T>C on transcript NM_001999.4 (MANE Select); coding-DNA position 3617, T replaced by C.
Protein change: p.Leu1206Pro; replaces leucine 1206 with proline.
Molecular consequence: missense variant.
Genome position (GRCh38, 1-based): chr5:128,336,095, A>G on the plus strand (T>C on the coding strand, the complement: FBN2 is on the minus strand). VCF-style: chr5-128336095-A-G. GRCh37 (hg19) VCF-style: chr5-127671787-A-G.
Other names: short protein forms L1206P.
Identifiers: ClinVar variation 641973 (VCV000641973.9), dbSNP rs1581224796, ClinGen allele CA360758412.
Genomic context (GRCh38, chr5:128,336,095, plus strand): 5'-GAGCACTGATAGGTTCCAATCATGTTCACACATTTTCCATTTCTGCAGAGATTGTCACTC[A>G]GGGAGCATTCATTAATATCTATAAAAGATACACAGAAGTAATGCTTTACACAATGTCCAC-3'
Protein context (NP_001990.2, residues 1196-1216): EDCVDINECS[Leu1206Pro]SDNLCRNGKC